The following is an entry in ClinVar:

NM_182914.3(SYNE2):c.16837G>A (p.Glu5613Lys)

Gene: SYNE2 (spectrin repeat containing nuclear envelope protein 2; plus strand). Cytogenetic location: 14q23.2.
Variant type: single nucleotide variant.
Coding change: c.16837G>A on transcript NM_182914.3 (MANE Select); coding-DNA position 16837, G replaced by A.
Protein change: p.Glu5613Lys; replaces glutamic acid 5613 with lysine.
Molecular consequence: missense variant.
Genome position (GRCh38, 1-based): chr14:64,167,571, G>A. VCF-style: chr14-64167571-G-A. GRCh37 (hg19) VCF-style: chr14-64634289-G-A.
Other names: c.16837G>A, p.Glu5613Lys (NM_015180.6); short protein forms E5613K.
Identifiers: ClinVar variation 1499695 (VCV001499695.6), dbSNP rs2153723228, ClinGen allele CA389967423.

ClinVar aggregate classification (germline): Uncertain significance (1 of 4 stars; one submission).

Conditions:
Emery-Dreifuss muscular dystrophy 5, autosomal dominant (EDMD5). Also called: EMERY-DREIFUSS MUSCULAR DYSTROPHY 5. Identifiers: Orphanet 261, MedGen C2751805, MONDO:0013072, OMIM 612999.

gnomAD v4.1: 1 of 1,614,204 alleles (0.000062%); highest among the groups gnomAD compares: African/African-American, 0.0013%; no homozygotes.

Submission:

Labcorp Genetics (formerly Invitae), Labcorp
Classification: Uncertain significance for Emery-Dreifuss muscular dystrophy 5, autosomal dominant. Last evaluated: 2021-10-21. Review status: criteria provided, single submitter. Criteria: Invitae Variant Classification Sherloc (09022015). Collection method: clinical testing. Allele origin: germline.
Comment: This variant is not present in population databases (ExAC no frequency). This sequence change replaces glutamic acid with lysine at codon 5613 of the SYNE2 protein (p.Glu5613Lys). The glutamic acid residue is weakly conserved and there is a small physicochemical difference between glutamic acid and lysine. This variant has not been reported in the literature in individuals affected with SYNE2-related conditions. In summary, the available evidence is currently insufficient to determine the role of this variant in disease. Therefore, it has been classified as a Variant of Uncertain Significance. Algorithms developed to predict the effect of missense changes on protein structure and function output the following: SIFT: "Tolerated"; PolyPhen-2: "Benign"; Align-GVGD: "Class C0". The lysine amino acid residue is found in multiple mammalian species, which suggests that this missense change does not adversely affect protein function.